The following is an entry in ClinVar:

ClinVar aggregate classification (germline): Uncertain significance (1 of 4 stars; one submission).

Submission:

Women's Health and Genetics/Laboratory Corporation of America, LabCorp
Classification: Uncertain significance. Last evaluated: 2024-07-23. Review status: criteria provided, single submitter. Criteria: LabCorp Variant Classification Summary - May 2015. Collection method: clinical testing. Allele origin: germline.
Comment: Variant summary: TWNK c.957G>C (p.Lys319Asn) results in a non-conservative amino acid change located in the topoisomerase-primase (TOPRIM) nucleotidyl transferase/hydrolase domain (IPR034154) of the encoded protein sequence. Four of five in-silico tools predict a damaging effect of the variant on protein function. The variant was absent in 251368 control chromosomes (gnomAD). To our knowledge, no occurrence of c.957G>C in individuals affected with Infantile Onset Spinocerebellar Ataxia and no experimental evidence demonstrating its impact on protein function have been reported. However, different missense variants affecting the same codon (K319E/T) have been reported in affected families, segregating with autosomal dominant, adult onset, progressive external ophthalmoplegia disease phenotype (PMID 15668446, 12921794), and were shown to be affecting protein function in in vitro studies (see PMIDs: 18971204, 19084593, 20659899), suggesting that this amino acid residue is clinically/functionally important. No submitters have cited clinical-significance assessments for this variant to ClinVar. Based on the evidence outlined above, the variant was classified as VUS-possibly pathogenic.

NM_021830.5(TWNK):c.957G>C (p.Lys319Asn)

Gene: TWNK (twinkle mtDNA helicase; plus strand). Cytogenetic location: 10q24.31.
Variant type: single nucleotide variant.
Coding change: c.957G>C on transcript NM_021830.5 (MANE Select); coding-DNA position 957, G replaced by C.
Protein change: p.Lys319Asn; replaces lysine 319 with asparagine.
Molecular consequence: missense variant. On other transcripts: non-coding transcript variant (4), intron variant (3).
Genome position (GRCh38, 1-based): chr10:100,989,167, G>C. VCF-style: chr10-100989167-G-C. GRCh37 (hg19) VCF-style: chr10-102748924-G-C.
Other names: c.957G>C, p.Lys319Asn (NM_001163812.2); c.-119-477G>C (NM_001163814.2, NM_001163813.2); c.-57-539G>C (NM_001368275.1); short protein forms K319N.
Identifiers: ClinVar variation 3339390 (VCV003339390.1).
Genomic context (GRCh38, chr10:100,989,167, plus strand): 5'-ACAGTTCCGGCGGATTGTATTCTGGTTGGGGGATGACCTTCGGTCCTGGGAAGCCGCCAA[G>C]TTGTTTGCACGAAAACTGAACCCCAAACGATGCTTCTTGGTGCGACCAGGAGACCAGCAA-3'
Protein context (NP_068602.2, residues 309-329): GDDLRSWEAA[Lys319Asn]LFARKLNPKR